The following is an entry in ClinVar:

ClinVar aggregate classification (germline): Pathogenic. Review status: criteria provided, multiple submitters, no conflicts (2 of 4 stars). 4 submissions from 4 submitters: Pathogenic (4). Last evaluated 2024-07-15.

Conditions:
Hereditary cancer-predisposing syndrome. Also called: Neoplastic Syndromes, Hereditary; Tumor predisposition; Hereditary neoplastic syndrome; Hereditary Cancer Syndrome. Identifiers: Orphanet 140162, MedGen C0027672, MeSH D009386, MONDO:0015356.
Bloom syndrome (BLM). Also called: Bloom-Torre-Machacek syndrome. Identifiers: Orphanet 125, MedGen C0005859, MONDO:0008876, OMIM 210900.

Allele frequency attached by ClinVar (database versions not stated): gnomAD exomes below 0.00001.

Submissions (4):

Natera, Inc.
Classification: Pathogenic for Bloom syndrome. Last evaluated: 2024-07-15. Review status: criteria provided, single submitter. Criteria: Natera Variant Classification Schema (03/2026). Collection method: clinical testing. Allele origin: germline.
Comment: The c.3564del variant in BLM is a frameshift variant predicted to shift the reading frame beginning at codon 1189 and leads to a stop codon 10 codons downstream. This variant is expected to result in nonsense mediated decay, truncation, or a dysfunctional protein product. This variant is rare in the general population with a frequency below the threshold expected for the associated phenotype(s). This variant has been observed in one or more individuals affected with the associated recessive disease, as either homozygous or compound heterozygous with a second variant (PMID: 30138938). Given the available evidence, this variant is classified as Pathogenic.

Baylor Genetics
Classification: Pathogenic for Bloom syndrome. Last evaluated: 2023-10-28. Review status: criteria provided, single submitter. Criteria: ACMG Guidelines, 2015. Collection method: clinical testing. Allele origin: unknown.

Labcorp Genetics (formerly Invitae), Labcorp
Classification: Pathogenic for Bloom syndrome. Last evaluated: 2022-03-20. Review status: criteria provided, single submitter. Criteria: Invitae Variant Classification Sherloc (09022015). Collection method: clinical testing. Allele origin: germline.
Comment: For these reasons, this variant has been classified as Pathogenic. Algorithms developed to predict the effect of sequence changes on RNA splicing suggest that this variant may disrupt the consensus splice site. ClinVar contains an entry for this variant (Variation ID: 823933). This premature translational stop signal has been observed in individual(s) with clinical features of Bloom syndrome (PMID: 30138938). This variant is present in population databases (no rsID available, gnomAD 0.006%). This sequence change creates a premature translational stop signal (p.Phe1189Leufs*10) in the BLM gene. It is expected to result in an absent or disrupted protein product. Loss-of-function variants in BLM are known to be pathogenic (PMID: 17407155).

Ambry Genetics
Classification: Pathogenic for Hereditary cancer-predisposing syndrome. Last evaluated: 2019-07-31. Review status: criteria provided, single submitter. Criteria: Ambry Variant Classification Scheme 2023. Collection method: clinical testing. Allele origin: germline.
Comment: The c.3564delC variant, located in coding exon 18 of the BLM gene, results from a deletion of one nucleotide at nucleotide position 3564, causing a translational frameshift with a predicted alternate stop codon (p.F1189Lfs*10). This alteration is also known as c.3564del in the literature. In addition to the clinical data presented in the literature, this alteration is expected to result in loss of function by premature protein truncation or nonsense-mediated mRNA decay. As such, this alteration is interpreted as a disease-causing mutation.

Literature cited by the submitters: PubMed 30138938 (cited by 3 submitters); PubMed 17407155 (cited by Labcorp Genetics (formerly Invitae), Labcorp).

NM_000057.4(BLM):c.3564del (p.Phe1189fs)

Gene: BLM (BLM RecQ like helicase; plus strand). Cytogenetic location: 15q26.1.
Variant type: Deletion.
Coding change: c.3564del on transcript NM_000057.4 (MANE Select); coding-DNA position 3564, one base deleted (C; older notation c.3564delC).
Protein change: p.Phe1189fs; shifts the reading frame from phenylalanine 1189.
Molecular consequence: frameshift variant. On other transcripts: intron variant (1).
Genome position (GRCh38, 1-based): chr15:90,804,172, C deleted. VCF-style (leftmost placement, unchanged base first): chr15-90804171-AC-A. GRCh37 (hg19) VCF-style: chr15-91347401-AC-A.
Other names: c.3564del, p.Phe1189fs (NM_001287246.2); c.2439del, p.Phe814fs (NM_001287248.2); c.3359-4965del (NM_001287247.2); c.3564del (NM_000057.3); short protein forms F1189fs, F814fs.
Identifiers: ClinVar variation 823933 (VCV000823933.11), dbSNP rs1486692931, ClinGen allele CA619860816.